The following is an entry in ClinVar:

NM_000322.5(PRPH2):c.794_805del (p.Met265_Val268del)

Gene: PRPH2 (peripherin 2; minus strand). Cytogenetic location: 6p21.1.
Variant type: Deletion.
Coding change: c.794_805del on transcript NM_000322.5 (MANE Select); coding-DNA positions 794 to 805, 12 bases deleted (TGGGTGTCGTCA).
Protein change: p.Met265_Val268del.
Molecular consequence: inframe deletion.
Genome position (GRCh38, 1-based): chr6:42,704,388-42,704,399, TGACGACACCCA deleted on the plus strand (TGGGTGTCGTCA on the coding strand, the reverse complement: PRPH2 is on the minus strand); deleting any 12 consecutive bases within chr6:42,704,388-42,704,401 gives the same sequence; the c. name uses the placement nearest the transcript's 3' end. VCF-style (leftmost placement, unchanged base first): chr6-42704387-GTGACGACACCCA-G. GRCh37 (hg19) VCF-style: chr6-42672125-GTGACGACACCCA-G.
Identifiers: ClinVar variation 2828900 (VCV002828900.3), dbSNP rs2548300670, ClinGen allele CA2739273066.

ClinVar aggregate classification (germline): Pathogenic (1 of 4 stars; one submission).

Conditions:
PRPH2-related disorder. Also called: PRPH2-related disorders; PRPH2-related condition. Identifiers: MedGen CN239395.

Submission:

Labcorp Genetics (formerly Invitae), Labcorp
Classification: Pathogenic for PRPH2-related disorder. Last evaluated: 2023-02-13. Review status: criteria provided, single submitter. Criteria: Invitae Variant Classification Sherloc (09022015). Collection method: clinical testing. Allele origin: germline.
Comment: This variant disrupts a region of the PRPH2 protein in which other variant(s) (p.Gly266Asp) have been determined to be pathogenic (PMID: 9331261, 11139241, 24416769, 24963162). This suggests that this is a clinically significant region of the protein, and that variants that disrupt it are likely to be disease-causing. This variant has not been reported in the literature in individuals affected with PRPH2-related conditions. This variant is not present in population databases (gnomAD no frequency). This variant, c.794_805del, results in the deletion of 4 amino acid(s) of the PRPH2 protein (p.Met265_Val268del), but otherwise preserves the integrity of the reading frame. For these reasons, this variant has been classified as Pathogenic.

Literature cited by the submitters: PubMed 9331261; PubMed 11139241; PubMed 24416769; PubMed 24963162.